The following is an entry in ClinVar:

NM_012199.5(AGO1):c.464A>G (p.Glu155Gly)

Gene: AGO1 (argonaute RISC component 1; plus strand). Cytogenetic location: 1p34.3.
Variant type: single nucleotide variant.
Coding change: c.464A>G on transcript NM_012199.5 (MANE Select); coding-DNA position 464, A replaced by G.
Protein change: p.Glu155Gly; replaces glutamic acid 155 with glycine.
Molecular consequence: missense variant.
Genome position (GRCh38, 1-based): chr1:35,893,230, A>G. VCF-style: chr1-35893230-A-G. GRCh37 (hg19) VCF-style: chr1-36358831-A-G.
Other names: c.464A>G, p.Glu155Gly (NM_001317122.2); c.239A>G, p.Glu80Gly (NM_001317123.2); short protein forms E155G, E80G.
Identifiers: ClinVar variation 4539853 (VCV004539853.1).

ClinVar aggregate classification (germline): Uncertain significance (1 of 4 stars; one submission).

Submission:

GeneDx
Classification: Uncertain significance. Last evaluated: 2025-06-25. Review status: criteria provided, single submitter. Criteria: GeneDx Variant Classification Process June 2021. Collection method: clinical testing. Allele origin: germline. Affected: yes.
Comment: In silico analysis supports that this missense variant has a deleterious effect on protein structure/function; Has not been previously published as pathogenic or benign to our knowledge